The following is an entry in ClinVar:

ClinVar aggregate classification (germline): Likely benign. Review status: criteria provided, multiple submitters, no conflicts (2 of 4 stars). 2 submissions from 2 submitters: Likely benign (2). Last evaluated 2024-10-23.

Conditions:
Oligodontia-cancer predisposition syndrome. Also called: TOOTH AGENESIS-COLORECTAL CANCER SYNDROME. Identifiers: Orphanet 300576, MedGen C1837750, MONDO:0012075, OMIM 608615. Disease mechanism: loss of function.

Allele frequency attached by ClinVar (database versions not stated): TOPMed below 0.00001; ExAC 0.00001; gnomAD 0.00001 and 0.00002; gnomAD exomes 0.00001.
gnomAD v4.1: 7 of 1,612,350 alleles (0.00043%); highest among the groups gnomAD compares: African/African-American, 0.0013%; no homozygotes.

Submissions (2):

Labcorp Genetics (formerly Invitae), Labcorp
Classification: Likely benign for Oligodontia-cancer predisposition syndrome. Last evaluated: 2024-10-23. Review status: criteria provided, single submitter. Criteria: Invitae Variant Classification Sherloc (09022015). Collection method: clinical testing. Allele origin: germline.

GeneDx
Classification: Likely benign. Last evaluated: 2016-03-03. Review status: criteria provided, single submitter. Criteria: GeneDx Variant Classification (06012015). Collection method: clinical testing. Allele origin: germline. Affected: yes.
Comment: This variant is considered likely benign or benign based on one or more of the following criteria: it is a conservative change, it occurs at a poorly conserved position in the protein, it is predicted to be benign by multiple in silico algorithms, and/or has population frequency not consistent with disease.

NM_004655.4(AXIN2):c.1907+20G>A

Gene: AXIN2 (axin 2; minus strand). Cytogenetic location: 17q24.1.
Variant type: single nucleotide variant.
Coding change: c.1907+20G>A on transcript NM_004655.4 (MANE Select); 20 bases into the intron after coding-DNA position 1907, G replaced by A.
Molecular consequence: intron variant.
Genome position (GRCh38, 1-based): chr17:65,536,849, C>T on the plus strand (G>A on the coding strand, the complement: AXIN2 is on the minus strand). VCF-style: chr17-65536849-C-T. GRCh37 (hg19) VCF-style: chr17-63532967-C-T.
Other names: c.1907+20G>A (LRG_296t1); c.1713-296G>A (NM_001363813.1).
Identifiers: ClinVar variation 384520 (VCV000384520.8), dbSNP rs758711638, ClinGen allele CA8718487.